The following is an entry in ClinVar:

ClinVar aggregate classification (germline): Uncertain significance (1 of 4 stars; one submission).

Conditions:
Hereditary cancer-predisposing syndrome. Also called: Neoplastic Syndromes, Hereditary; Tumor predisposition; Hereditary neoplastic syndrome; Hereditary Cancer Syndrome. Identifiers: Orphanet 140162, MedGen C0027672, MeSH D009386, MONDO:0015356.

Submission:

Ambry Genetics
Classification: Uncertain significance for Hereditary cancer-predisposing syndrome. Last evaluated: 2026-07-05. Review status: criteria provided, single submitter. Criteria: Ambry Variant Classification Scheme 2023. Collection method: clinical testing. Allele origin: germline.
Comment: The p.M47I variant (also known as c.141G>A), located in coding exon 2 of the SDHAF2 gene, results from a G to A substitution at nucleotide position 141. The methionine at codon 47 is replaced by isoleucine, an amino acid with highly similar properties. This amino acid position is conserved. In addition, this alteration is predicted to be tolerated by in silico analysis. Based on the available evidence, the clinical significance of this variant remains unclear.

NM_017841.4(SDHAF2):c.141G>A (p.Met47Ile)

Gene: SDHAF2 (succinate dehydrogenase complex assembly factor 2; plus strand). Cytogenetic location: 11q12.2.
Variant type: single nucleotide variant.
Coding change: c.141G>A on transcript NM_017841.4 (MANE Select); coding-DNA position 141, G replaced by A.
Protein change: p.Met47Ile; replaces methionine 47 with isoleucine.
Molecular consequence: missense variant.
Genome position (GRCh38, 1-based): chr11:61,437,729, G>A. VCF-style: chr11-61437729-G-A. GRCh37 (hg19) VCF-style: chr11-61205201-G-A.
Other names: short protein forms M47I.
Identifiers: ClinVar variation 5029217 (VCV005029217.1).